The following is an entry in ClinVar:

ClinVar aggregate classification (germline): Uncertain significance (1 of 4 stars; one submission).

Allele frequency attached by ClinVar (database versions not stated): gnomAD exomes below 0.00001; gnomAD 0.00001.
gnomAD v4.1: 7 of 1,613,992 alleles (0.00043%); highest among the groups gnomAD compares: South Asian, 0.0033%; no homozygotes.

Submission:

Labcorp Genetics (formerly Invitae), Labcorp
Classification: Uncertain significance. Last evaluated: 2022-06-26. Review status: criteria provided, single submitter. Criteria: Invitae Variant Classification Sherloc (09022015). Collection method: clinical testing. Allele origin: germline.
Comment: In summary, the available evidence is currently insufficient to determine the role of this variant in disease. Therefore, it has been classified as a Variant of Uncertain Significance. Algorithms developed to predict the effect of missense changes on protein structure and function are either unavailable or do not agree on the potential impact of this missense change (SIFT: "Tolerated"; PolyPhen-2: "Possibly Damaging"; Align-GVGD: "Class C0"). This variant has not been reported in the literature in individuals affected with LARS2-related conditions. This variant is not present in population databases (gnomAD no frequency). This sequence change replaces glutamic acid, which is acidic and polar, with lysine, which is basic and polar, at codon 141 of the LARS2 protein (p.Glu141Lys).

NM_015340.4(LARS2):c.421G>A (p.Glu141Lys)

Gene: LARS2 (leucyl-tRNA synthetase 2, mitochondrial; plus strand). Cytogenetic location: 3p21.31.
Variant type: single nucleotide variant.
Coding change: c.421G>A on transcript NM_015340.4 (MANE Select); coding-DNA position 421, G replaced by A.
Protein change: p.Glu141Lys; replaces glutamic acid 141 with lysine.
Molecular consequence: missense variant.
Genome position (GRCh38, 1-based): chr3:45,417,539, G>A. VCF-style: chr3-45417539-G-A. GRCh37 (hg19) VCF-style: chr3-45459031-G-A.
Other names: c.421G>A, p.Glu141Lys (NM_001368263.1); short protein forms E141K.
Identifiers: ClinVar variation 2110117 (VCV002110117.4), dbSNP rs1559462145, ClinGen allele CA352976650.